The following is an entry in ClinVar:

ClinVar aggregate classification (germline): Uncertain significance (0 of 4 stars; one submission).

Conditions:
SEMA3B-related disorder. Also called: SEMA3B-related condition.

gnomAD v4.1: 3 of 1,598,286 alleles (0.00019%); highest among the groups gnomAD compares: African/African-American, 0.004%; no homozygotes.

Submission:

PreventionGenetics, part of Exact Sciences
Classification: Uncertain significance for SEMA3B-related condition. Last evaluated: 2024-03-27. Review status: no assertion criteria provided. Collection method: clinical testing. Allele origin: germline.
Comment: The SEMA3B c.450+5G>T variant is predicted to interfere with splicing. To our knowledge, this variant has not been reported in the literature. This variant is reported in 0.0077% of alleles in individuals of African descent in gnomAD. At this time, the clinical significance of this variant is uncertain due to the absence of conclusive functional and genetic evidence.

NM_001290060.2(SEMA3B):c.450+5G>T

Gene: SEMA3B (semaphorin 3B; plus strand). Cytogenetic location: 3p21.31.
Variant type: single nucleotide variant.
Coding change: c.450+5G>T on transcript NM_001290060.2 (MANE Select); 5 bases into the intron after coding-DNA position 450, G replaced by T.
Molecular consequence: intron variant.
Genome position (GRCh38, 1-based): chr3:50,271,014, G>T. VCF-style: chr3-50271014-G-T. GRCh37 (hg19) VCF-style: chr3-50308445-G-T.
Other names: c.450+5G>T (NM_004636.4, NM_001005914.3, NM_001290061.1).
Identifiers: ClinVar variation 3348284 (VCV003348284.1).